The following is an entry in ClinVar:

NM_000059.4(BRCA2):c.197A>C (p.Gln66Pro)

Gene: BRCA2 (BRCA2 DNA repair associated; plus strand). Cytogenetic location: 13q13.1.
Variant type: single nucleotide variant.
Coding change: c.197A>C on transcript NM_000059.4 (MANE Select); coding-DNA position 197, A replaced by C.
Protein change: p.Gln66Pro; replaces glutamine 66 with proline.
Molecular consequence: missense variant. On other transcripts: 5 prime UTR variant (1), non-coding transcript variant (1).
Genome position (GRCh38, 1-based): chr13:32,319,206, A>C. VCF-style: chr13-32319206-A-C. GRCh37 (hg19) VCF-style: chr13-32893343-A-C.
Other names: c.197A>C, p.Gln66Pro (NM_001406719.1, NM_001406720.1, NM_001406721.1); c.-173A>C (NM_001406722.1); short protein forms Q66P.
Identifiers: ClinVar variation 2451551 (VCV002451551.2), dbSNP rs2138704759, ClinGen allele CA387754380.

ClinVar aggregate classification (germline): Uncertain significance (1 of 4 stars; one submission).

Conditions:
Hereditary cancer-predisposing syndrome. Also called: Neoplastic Syndromes, Hereditary; Tumor predisposition; Hereditary neoplastic syndrome; Hereditary Cancer Syndrome. Identifiers: Orphanet 140162, MedGen C0027672, MeSH D009386, MONDO:0015356.

Allele frequency attached by ClinVar (database versions not stated): gnomAD exomes below 0.00001.
gnomAD v4.1: 1 of 1,614,068 alleles (0.000062%); highest among the groups gnomAD compares: Non-Finnish European, 0.000085%; no homozygotes.

Submission:

Ambry Genetics
Classification: Uncertain significance for Hereditary cancer-predisposing syndrome. Last evaluated: 2023-02-13. Review status: criteria provided, single submitter. Criteria: Ambry Variant Classification Scheme 2023. Collection method: clinical testing. Allele origin: germline.
Comment: The p.Q66P variant (also known as c.197A>C), located in coding exon 2 of the BRCA2 gene, results from an A to C substitution at nucleotide position 197. The glutamine at codon 66 is replaced by proline, an amino acid with similar properties. This amino acid position is well conserved in available vertebrate species. In addition, this alteration is predicted to be tolerated by in silico analysis. Since supporting evidence is limited at this time, the clinical significance of this alteration remains unclear.